The following is an entry in ClinVar:

ClinVar aggregate classification (germline): Uncertain significance. Review status: criteria provided, multiple submitters, no conflicts (2 of 4 stars). 3 submissions from 3 submitters: Uncertain significance (3). Last evaluated 2025-04-09.

Conditions:
INVS-related disorder. Also called: INVS-related condition.
Infantile nephronophthisis (NPHP2). Also called: Nephronophthisis 2; Nephronophthisis 2, infantile. Identifiers: Orphanet 655, Orphanet 93591, MedGen C1865872, MONDO:0011190, OMIM 602088.

Submissions (3):

PreventionGenetics, part of Exact Sciences
Classification: Uncertain significance for INVS-related condition. Last evaluated: 2025-04-09. Review status: criteria provided, single submitter. Criteria: ACMG Guidelines, 2015. Collection method: clinical testing. Allele origin: germline.
Comment: The INVS c.3152delinsGT variant is predicted to result in a frameshift and premature protein termination (p.Tyr1051Cysfs*2). To our knowledge, this variant has not been reported in the literature or in a large population database (gnomAD), indicating this variant is rare. It is located in the terminal exon, calling its clinical significance into question. Although we suspect that this variant may be pathogenic, at this time, the clinical significance of this variant is uncertain due to the absence of conclusive functional and genetic evidence.

Fulgent Genetics
Classification: Uncertain significance for Infantile nephronophthisis. Last evaluated: 2024-05-06. Review status: criteria provided, single submitter. Criteria: ACMG Guidelines, 2015. Collection method: clinical testing. Allele origin: germline.

Mayo Clinic Laboratories, Mayo Clinic
Classification: Uncertain significance. Last evaluated: 2023-10-06. Review status: criteria provided, single submitter. Criteria: ACMG Guidelines, 2015. Collection method: clinical testing. Allele origin: germline. Observed: 1 variant allele.
Comment: PM2_moderate, PVS1_moderate

NM_014425.5(INVS):c.3152delinsGT (p.Tyr1051fs)

Gene: INVS (inversin; plus strand). Cytogenetic location: 9q31.1.
Variant type: Indel.
Coding change: c.3152delinsGT on transcript NM_014425.5 (MANE Select); coding-DNA position 3152, A replaced by GT.
Protein change: p.Tyr1051fs; shifts the reading frame from tyrosine 1051.
Molecular consequence: frameshift variant. On other transcripts: non-coding transcript variant (1).
Genome position (GRCh38, 1-based): chr9:100,300,628, A replaced by GT. VCF-style: chr9-100300628-A-GT. GRCh37 (hg19) VCF-style: chr9-103062910-A-GT.
Other names: p.Tyr1051Cysfs*2; c.2864delinsGT, p.Tyr955fs (NM_001318381.2); c.2174delinsGT, p.Tyr725fs (NM_001318382.2); c.3152delinsGT (NM_014425.4); short protein forms Y1051fs, Y725fs, Y955fs.
Identifiers: ClinVar variation 3379883 (VCV003379883.3).